The following is an entry in ClinVar:

NM_000051.4(ATM):c.2298G>C (p.Lys766Asn)

Gene: ATM (ATM serine/threonine kinase; plus strand). Cytogenetic location: 11q22.3.
Variant type: single nucleotide variant.
Coding change: c.2298G>C on transcript NM_000051.4 (MANE Select); coding-DNA position 2298, G replaced by C.
Protein change: p.Lys766Asn; replaces lysine 766 with asparagine.
Molecular consequence: missense variant.
Genome position (GRCh38, 1-based): chr11:108,257,528, G>C. VCF-style: chr11-108257528-G-C. GRCh37 (hg19) VCF-style: chr11-108128255-G-C.
Other names: c.2298G>C, p.Lys766Asn (NM_001351834.2); short protein forms K766N.
Identifiers: ClinVar variation 4617654 (VCV004617654.1).

ClinVar aggregate classification (germline): Uncertain significance (1 of 4 stars; one submission).

Conditions:
Hereditary cancer-predisposing syndrome. Also called: Neoplastic Syndromes, Hereditary; Tumor predisposition; Hereditary Cancer Syndrome; Hereditary neoplastic syndrome. Identifiers: Orphanet 140162, MedGen C0027672, MeSH D009386, MONDO:0015356.

Submission:

Ambry Genetics
Classification: Uncertain significance for Hereditary cancer-predisposing syndrome. Last evaluated: 2025-10-11. Review status: criteria provided, single submitter. Criteria: Ambry Variant Classification Scheme 2023. Collection method: clinical testing. Allele origin: germline.
Comment: The p.K766N variant (also known as c.2298G>C), located in coding exon 14 of the ATM gene, results from a G to C substitution at nucleotide position 2298. The lysine at codon 766 is replaced by asparagine, an amino acid with similar properties. This amino acid position is conserved. In addition, this alteration is predicted to be tolerated by in silico analysis. Based on the available evidence, the clinical significance of this variant remains unclear.